The following is an entry in ClinVar:

NC_000012.11:g.(?_56739910)_(56750355_?)dup

Gene: STAT2 (signal transducer and activator of transcription 2; minus strand). Cytogenetic location: 12q13.3.
Variant type: Duplication.
Identifiers: ClinVar variation 1444031 (VCV001444031.4).

ClinVar aggregate classification (germline): Uncertain significance (1 of 4 stars; one submission).

Conditions:
Primary immunodeficiency with post-measles-mumps-rubella vaccine viral infection. Also called: Immunodeficiency 44. Identifiers: Orphanet 431166, MedGen C4225260, MONDO:0014715, OMIM 616636.

Submission:

Labcorp Genetics (formerly Invitae), Labcorp
Classification: Uncertain significance for Primary immunodeficiency with post-measles-mumps-rubella vaccine viral infection. Last evaluated: 2022-03-04. Review status: criteria provided, single submitter. Criteria: Invitae Variant Classification Sherloc (09022015). Collection method: clinical testing. Allele origin: germline.
Comment: This variant results in a copy number gain of the genomic region encompassing exon(s) 2-22 of the STAT2 gene. This region includes the initiator codon of the gene. This copy number gain extends beyond the assayed region for this gene and therefore may encompass additional genes. As the precise location of this event is unknown, it may be in tandem or it may be located elsewhere in the genome. This variant has not been reported in the literature in individuals affected with STAT2-related conditions. Experimental studies and prediction algorithms are not available or were not evaluated, and the functional significance of this variant is currently unknown. In summary, the available evidence is currently insufficient to determine the role of this variant in disease. Therefore, it has been classified as a Variant of Uncertain Significance.